The following is an entry in ClinVar:

ClinVar aggregate classification (germline): Pathogenic (1 of 4 stars; one submission).

Conditions:
Bethlem myopathy 1A. Also called: MYOPATHY, BENIGN CONGENITAL, WITH CONTRACTURES; Bethlem myopathy 1; Bethlem Muscular Dystrophy. Identifiers: Orphanet 610, MedGen CN029274, MONDO:0024530, OMIM 158810.

Submission:

Labcorp Genetics (formerly Invitae), Labcorp
Classification: Pathogenic for Bethlem myopathy 1A. Last evaluated: 2023-09-05. Review status: criteria provided, single submitter. Criteria: Invitae Variant Classification Sherloc (09022015). Collection method: clinical testing. Allele origin: germline.
Comment: For these reasons, this variant has been classified as Pathogenic. This variant has not been reported in the literature in individuals affected with COL6A1-related conditions. This variant is not present in population databases (gnomAD no frequency). This sequence change creates a premature translational stop signal (p.Thr104Asnfs*48) in the COL6A1 gene. It is expected to result in an absent or disrupted protein product. Loss-of-function variants in COL6A1 are known to be pathogenic (PMID: 19884007, 20976770).

Literature cited by the submitters: PubMed 19884007; PubMed 20976770.

NM_001848.3(COL6A1):c.310dup (p.Thr104fs)

Gene: COL6A1 (collagen type VI alpha 1 chain; plus strand). Cytogenetic location: 21q22.3.
Variant type: Duplication.
Coding change: c.310dup on transcript NM_001848.3 (MANE Select); coding-DNA position 310, one base duplicated (A; older notation c.310dupA).
Protein change: p.Thr104fs; shifts the reading frame from threonine 104.
Molecular consequence: frameshift variant.
Genome position (GRCh38, 1-based): chr21:45,984,351, A duplicated. VCF-style (leftmost placement, unchanged base first): chr21-45984350-C-CA. GRCh37 (hg19) VCF-style: chr21-47404264-C-CA.
Other names: short protein forms T104fs.
Identifiers: ClinVar variation 2710392 (VCV002710392.3), dbSNP rs2526310648, ClinGen allele CA2697547633.
Genomic context (GRCh38, chr21:45,984,350, plus strand): 5'-CCTGGTGTGGAACGCAGGCGCGCTGCACTACAGTGACGAGGTGGAGATCATCCAAGGCCT[C>CA]ACGCGCATGCCTGGCGGCCGCGACGCACTCAAAAGCAGCGTGGACGCGGTCAAGTACTTT-3'